The following is an entry in ClinVar:

ClinVar aggregate classification (germline): Uncertain significance (1 of 4 stars; one submission).

Conditions:
Cardiovascular phenotype. Identifiers: MedGen CN230736.

Submission:

Ambry Genetics
Classification: Uncertain significance for Cardiovascular phenotype. Last evaluated: 2024-03-01. Review status: criteria provided, single submitter. Criteria: Ambry Variant Classification Scheme 2023. Collection method: clinical testing. Allele origin: germline.
Comment: The p.A48E variant (also known as c.143C>A), located in coding exon 1 of the CHST14 gene, results from a C to A substitution at nucleotide position 143. The alanine at codon 48 is replaced by glutamic acid, an amino acid with dissimilar properties. This amino acid position is conserved. In addition, this alteration is predicted to be tolerated by in silico analysis. Based on the available evidence, the clinical significance of this alteration remains unclear.

NM_130468.4(CHST14):c.143C>A (p.Ala48Glu)

Genes: CHST14 (carbohydrate sulfotransferase 14; plus strand), LOC130056851 (ATAC-STARR-seq lymphoblastoid silent region 6336; plus strand). Cytogenetic location: 15q15.1.
Variant type: single nucleotide variant.
Coding change: c.143C>A on transcript NM_130468.4 (MANE Select); coding-DNA position 143, C replaced by A.
Protein change: p.Ala48Glu; replaces alanine 48 with glutamic acid.
Molecular consequence: missense variant.
Genome position (GRCh38, 1-based): chr15:40,471,356, C>A. VCF-style: chr15-40471356-C-A. GRCh37 (hg19) VCF-style: chr15-40763555-C-A.
Other names: short protein forms A48E.
Identifiers: ClinVar variation 3229032 (VCV003229032.1), dbSNP rs780919131, ClinGen allele CA391763864.